The following is an entry in ClinVar:

ClinVar aggregate classification (germline): Uncertain significance. Review status: criteria provided, multiple submitters, no conflicts (2 of 4 stars). 5 submissions from 5 submitters: Uncertain significance (5). Last evaluated 2026-06-04.

Conditions:
Cardiovascular phenotype. Identifiers: MedGen CN230736.
Cardiomyopathy (CMYO). Also called: Cardiomyopathies. Identifiers: Orphanet 167848, MedGen C0878544, MONDO:0004994, HP:0001638. Inheritance: Various modes of inheritance.

Allele frequency attached by ClinVar (database versions not stated): gnomAD exomes 0.00001.
gnomAD v4.1: 11 of 1,614,104 alleles (0.00068%); highest among the groups gnomAD compares: Non-Finnish European, 0.00093%; no homozygotes.

Submissions (5):

Ambry Genetics
Classification: Uncertain significance for Cardiovascular phenotype. Last evaluated: 2026-06-04. Review status: criteria provided, single submitter. Criteria: Ambry Variant Classification Scheme 2023. Collection method: clinical testing. Allele origin: germline.
Comment: The p.A1006T variant (also known as c.3016G>A), located in coding exon 22 of the MYH7 gene, results from a G to A substitution at nucleotide position 3016. The alanine at codon 1006 is replaced by threonine, an amino acid with similar properties. This variant was reported in individual(s) with features consistent with hypertrophic cardiomyopathy (HCM) (Jaafar N et al. Genet Test Mol Biomarkers, 2016 Nov;20:674-679; Ambry internal data). This amino acid position is not well conserved in available vertebrate species. In addition, this alteration is predicted to be tolerated by in silico analysis. Based on the available evidence, the clinical significance of this variant remains unclear.

Mayo Clinic Laboratories, Mayo Clinic
Classification: Uncertain significance. Last evaluated: 2025-05-20. Review status: criteria provided, single submitter. Criteria: ACMG Guidelines, 2015. Collection method: clinical testing. Allele origin: germline. Observed: 1 variant allele.
Comment: BP4

GeneDx
Classification: Uncertain significance. Last evaluated: 2024-12-20. Review status: criteria provided, single submitter. Criteria: GeneDx Variant Classification Process June 2021. Collection method: clinical testing. Allele origin: germline. Affected: yes.
Comment: Identified in a patient with HCM in published literature (PMID: 27574918); In silico analysis indicates that this missense variant does not alter protein structure/function; Not observed at significant frequency in large population cohorts (gnomAD); This variant is associated with the following publications: (PMID: 27574918)

All of Us Research Program, National Institutes of Health
Classification: Uncertain significance for Cardiomyopathy. Last evaluated: 2024-06-11. Review status: criteria provided, single submitter. Criteria: ACMG Guidelines, 2015. Collection method: clinical testing. Allele origin: germline. Inheritance: Autosomal dominant inheritance. Observed: 1 variant allele, 1 heterozygote.
Comment: This study involves interpretation of variants in research participants for the purpose of population health screening. Participant phenotype was not available at the time of variant classification. Additional details can be found in publication PMID: 35346344, PMCID: PMC8962531

CHEO Genetics Diagnostic Laboratory, Children's Hospital of Eastern Ontario
Classification: Uncertain significance for Cardiomyopathy. Last evaluated: 2019-02-13. Review status: criteria provided, single submitter. Criteria: ACMG Guidelines, 2015. Collection method: clinical testing. Allele origin: germline.

Literature cited by the submitters: PubMed 27574918 (cited by Ambry Genetics and Mayo Clinic Laboratories, Mayo Clinic); PubMed 29687901 (cited by Mayo Clinic Laboratories, Mayo Clinic).

NM_000257.4(MYH7):c.3016G>A (p.Ala1006Thr)

Gene: MYH7 (myosin heavy chain 7; minus strand). Cytogenetic location: 14q11.2.
Variant type: single nucleotide variant.
Coding change: c.3016G>A on transcript NM_000257.4 (MANE Select); coding-DNA position 3016, G replaced by A.
Protein change: p.Ala1006Thr; replaces alanine 1006 with threonine.
Molecular consequence: missense variant.
Genome position (GRCh38, 1-based): chr14:23,423,630, C>T on the plus strand (G>A on the coding strand, the complement: MYH7 is on the minus strand). VCF-style: chr14-23423630-C-T. GRCh37 (hg19) VCF-style: chr14-23892839-C-T.
Other names: p.Ala1006Thr; short protein forms A1006T.
Identifiers: ClinVar variation 915535 (VCV000915535.6), dbSNP rs1892572179, ClinGen allele CA389045889.